The following is an entry in ClinVar:

NM_205836.3(FBXO38):c.2683A>G (p.Met895Val)

Gene: FBXO38 (F-box protein 38; plus strand). Cytogenetic location: 5q32.
Variant type: single nucleotide variant.
Coding change: c.2683A>G on transcript NM_205836.3 (MANE Select); coding-DNA position 2683, A replaced by G.
Protein change: p.Met895Val; replaces methionine 895 with valine.
Molecular consequence: missense variant.
Genome position (GRCh38, 1-based): chr5:148,433,453, A>G. VCF-style: chr5-148433453-A-G. GRCh37 (hg19) VCF-style: chr5-147813016-A-G.
Other names: c.1948A>G, p.Met650Val (NM_001271723.2); c.2458A>G, p.Met820Val (NM_030793.5); short protein forms M650V, M820V, M895V.
Identifiers: ClinVar variation 836217 (VCV000836217.35), dbSNP rs758909222, ClinGen allele CA3497572.
Genomic context (GRCh38, chr5:148,433,453, plus strand): 5'-TTTGGATTTTCTTTTTTTTTGCCTTTTTTAGAAGTAGCCAAAACAAAGCCACGTCACGCC[A>G]TGAAACGGAAGCGGACAGCAGATAAATCCACTAGTACAAGTGATCCTGTGATCGAGGATG-3'
Protein context (NP_995308.1, residues 885-905): EVAKTKPRHA[Met895Val]KRKRTADKST

ClinVar aggregate classification (germline): Conflicting classifications of pathogenicity. Review status: criteria provided, conflicting classifications (1 of 4 stars). 4 submissions from 4 submitters: Uncertain significance (3); Likely benign (1). Last evaluated 2026-01-26.

Conditions:
Neuronopathy, distal hereditary motor, type 2D. Also called: NEURONOPATHY, DISTAL HEREDITARY MOTOR, AUTOSOMAL DOMINANT 6; NEURONOPATHY, DISTAL HEREDITARY MOTOR, HARDING TYPE IID; NEUROPATHY, DISTAL HEREDITARY MOTOR, HARDING TYPE IID; HMN IID; SPINAL MUSCULAR ATROPHY, DISTAL, AUTOSOMAL DOMINANT, CALF-PREDOMINANT. Identifiers: Orphanet 139525, MedGen C3888271, MONDO:0014259, OMIM 615575.
Distal hereditary motor neuropathy type 2. Identifiers: Orphanet 139525, MedGen C3711384, MeSH C580044, MONDO:0015352.

Allele frequency attached by ClinVar (database versions not stated): gnomAD exomes 0.00002; ExAC 0.00004; TOPMed 0.00004; gnomAD 0.00005 and 0.00006.
gnomAD v4.1: 35 of 1,613,768 alleles (0.0022%); highest among the groups gnomAD compares: Non-Finnish European, 0.0027%; no homozygotes.

Submissions (4):

Labcorp Genetics (formerly Invitae), Labcorp
Classification: Uncertain significance for Distal hereditary motor neuropathy type 2. Last evaluated: 2026-01-26. Review status: criteria provided, single submitter. Criteria: Invitae Variant Classification Sherloc (09022015). Collection method: clinical testing. Allele origin: germline.
Comment: This sequence change replaces methionine, which is neutral and non-polar, with valine, which is neutral and non-polar, at codon 820 of the FBXO38 protein (p.Met820Val). The frequency data for this variant in the population databases is considered unreliable, as metrics indicate poor data quality at this position in the gnomAD database. This variant has not been reported in the literature in individuals affected with FBXO38-related conditions. ClinVar contains an entry for this variant (Variation ID: 836217). An algorithm developed to predict the effect of missense changes on protein structure and function outputs the following: PolyPhen-2: "Benign". The valine amino acid residue is found in multiple mammalian species, which suggests that this missense change does not adversely affect protein function. In summary, the available evidence is currently insufficient to determine the role of this variant in disease. Therefore, it has been classified as a Variant of Uncertain Significance.

Laboratory of Genetics, Children's Clinical University Hospital Latvia
Classification: Likely benign. Last evaluated: 2025-02-16. Review status: criteria provided, single submitter. Criteria: ACMG Guidelines, 2015. Collection method: clinical testing. Allele origin: germline. Affected: yes.

CeGaT Center for Human Genetics Tuebingen
Classification: Uncertain significance. Last evaluated: 2023-10-01. Review status: criteria provided, single submitter. Criteria: CeGaT Center For Human Genetics Tuebingen Variant Classification Criteria Version 2. Collection method: clinical testing. Allele origin: germline. Affected: yes. Observed: 1 variant allele.
Comment: FBXO38: PM2:Supporting, BP4

MVZ Martinsried, Medicover Genetics
Classification: Uncertain significance for Neuronopathy, distal hereditary motor, type 2D. Last evaluated: 2022-08-11. Review status: criteria provided, single submitter. Criteria: ACGS Guidelines, 2020. Collection method: clinical testing. Allele origin: unknown. Affected: yes.